The following is an entry in ClinVar:

ClinVar aggregate classification (germline): Uncertain significance (1 of 4 stars; one submission).

Conditions:
Noonan syndrome 9 (NS9). Identifiers: Orphanet 648, MedGen C4225282, MONDO:0014691, OMIM 616559.

Submission:

Labcorp Genetics (formerly Invitae), Labcorp
Classification: Uncertain significance for Noonan syndrome 9. Last evaluated: 2025-07-13. Review status: criteria provided, single submitter. Criteria: Invitae Variant Classification Sherloc (09022015). Collection method: clinical testing. Allele origin: germline.
Comment: This sequence change creates a premature translational stop signal (p.Asn218Lysfs*2) in the SOS2 gene. It is expected to result in an absent or disrupted protein product. However, the current clinical and genetic evidence is not sufficient to establish whether loss-of-function variants in SOS2 cause disease. This variant is not present in population databases (gnomAD no frequency). This variant has not been reported in the literature in individuals affected with SOS2-related conditions. In summary, the available evidence is currently insufficient to determine the role of this variant in disease. Therefore, it has been classified as a Variant of Uncertain Significance.

NM_006939.4(SOS2):c.654del (p.Asn218fs)

Gene: SOS2 (SOS Ras/Rho guanine nucleotide exchange factor 2; minus strand). Cytogenetic location: 14q21.3.
Variant type: Deletion.
Coding change: c.654del on transcript NM_006939.4 (MANE Select); coding-DNA position 654, one base deleted (T; older notation c.654delT).
Protein change: p.Asn218fs; shifts the reading frame from asparagine 218.
Molecular consequence: frameshift variant.
Genome position (GRCh38, 1-based): chr14:50,188,557, A deleted on the plus strand (T on the coding strand, the reverse complement: SOS2 is on the minus strand). VCF-style (leftmost placement, unchanged base first): chr14-50188556-TA-T. GRCh37 (hg19) VCF-style: chr14-50655274-TA-T.
Other names: c.654del, p.Asn218fs (NM_001411020.1); short protein forms N218fs.
Identifiers: ClinVar variation 4723043 (VCV004723043.1).